The following is an entry in ClinVar:

NM_000193.4(SHH):c.481C>T (p.Leu161=)

Gene: SHH (sonic hedgehog signaling molecule; minus strand). Cytogenetic location: 7q36.3.
Variant type: single nucleotide variant.
Coding change: c.481C>T on transcript NM_000193.4 (MANE Select); coding-DNA position 481, C replaced by T.
Protein change: p.Leu161=; no amino-acid change (leucine 161 retained).
Molecular consequence: synonymous variant. On other transcripts: non-coding transcript variant (2).
Genome position (GRCh38, 1-based): chr7:155,806,377, G>A on the plus strand (C>T on the coding strand, the complement: SHH is on the minus strand). VCF-style: chr7-155806377-G-A. GRCh37 (hg19) VCF-style: chr7-155599071-G-A.
Other names: c.220C>T, p.Leu74= (NM_001310462.2).
Identifiers: ClinVar variation 507464 (VCV000507464.4), dbSNP rs1202580309, ClinGen allele CA458750657.
Genomic context (GRCh38, chr7:155,806,377, plus strand): 5'-TATGTGCCTTGGACTCGTAGTACACCCAGTCGAAGCCGGCCTCCACCGCCAGGCGGGCCA[G>A]CATGCCGTACTTGCTGCGGTCGCGGTCAGACGTGGTGATGTCCACTGCGCGGCCCTCGTA-3'
Protein context (NP_000184.1, residues 151-171): SDRDRSKYGM[Leu161=]ARLAVEAGFD

ClinVar aggregate classification (germline): Likely benign. Review status: criteria provided, multiple submitters, no conflicts (2 of 4 stars). 2 submissions from 2 submitters: Likely benign (2). Last evaluated 2023-02-19.

Conditions:
Holoprosencephaly 3 (HPE3). Identifiers: Orphanet 2162, MedGen C1840529, MONDO:0007733, OMIM 142945.

Allele frequency attached by ClinVar (database versions not stated): TOPMed 0.00002; gnomAD exomes 0.00001 and 0.00002; gnomAD 0.00002.
gnomAD v4.1: 27 of 1,613,574 alleles (0.0017%); highest among the groups gnomAD compares: Non-Finnish European, 0.0022%; no homozygotes.

Submissions (2):

Labcorp Genetics (formerly Invitae), Labcorp
Classification: Likely benign for Holoprosencephaly 3. Last evaluated: 2023-02-19. Review status: criteria provided, single submitter. Criteria: Invitae Variant Classification Sherloc (09022015). Collection method: clinical testing. Allele origin: germline.

GeneDx
Classification: Likely benign. Last evaluated: 2017-02-14. Review status: criteria provided, single submitter. Criteria: GeneDx Variant Classification (06012015). Collection method: clinical testing. Allele origin: germline. Affected: yes.
Comment: This variant is considered likely benign or benign based on one or more of the following criteria: it is a conservative change, it occurs at a poorly conserved position in the protein, it is predicted to be benign by multiple in silico algorithms, and/or has population frequency not consistent with disease.